The following is an entry in ClinVar:

NM_012330.4(KAT6B):c.3258A>C (p.Glu1086Asp)

Gene: KAT6B (lysine acetyltransferase 6B; plus strand). Cytogenetic location: 10q22.2.
Variant type: single nucleotide variant.
Coding change: c.3258A>C on transcript NM_012330.4 (MANE Select); coding-DNA position 3258, A replaced by C.
Protein change: p.Glu1086Asp; replaces glutamic acid 1086 with aspartic acid.
Molecular consequence: missense variant.
Genome position (GRCh38, 1-based): chr10:75,022,117, A>C. VCF-style: chr10-75022117-A-C. GRCh37 (hg19) VCF-style: chr10-76781875-A-C.
Other names: c.2709A>C, p.Glu903Asp (NM_001256468.2, NM_001370138.1); c.2382A>C, p.Glu794Asp (NM_001256469.2, NM_001370139.1, NM_001370140.1 and 2 more transcripts); c.2220A>C, p.Glu740Asp (NM_001370132.1); c.1569A>C, p.Glu523Asp (NM_001370133.1); c.1173A>C, p.Glu391Asp (NM_001370134.1); c.915A>C, p.Glu305Asp (NM_001370135.1); c.3258A>C, p.Glu1086Asp (NM_001370136.1, NM_001370137.1); c.2193A>C, p.Glu731Asp (NM_001370143.1, NM_001370144.1); short protein forms E731D, E794D, E1086D, E523D, E903D, E391D, E305D, E740D.
Identifiers: ClinVar variation 859763 (VCV000859763.19), dbSNP rs754680177, ClinGen allele CA5564771.

ClinVar aggregate classification (germline): Likely benign. Review status: criteria provided, multiple submitters, no conflicts (2 of 4 stars). 4 submissions from 4 submitters: Likely benign (3). 1 of the submissions does not count toward it. Last evaluated 2025-11-03.

Conditions:
KAT6B-related disorder. Also called: KAT6B-related disorders; KAT6B-related condition.
Genitopatellar syndrome (GTPTS). Also called: Genitopatellar syndrome (GPS); ABSENT PATELLAE, SCROTAL HYPOPLASIA, RENAL ANOMALIES, FACIAL DYSMORPHISM, AND MENTAL RETARDATION. Identifiers: Orphanet 85201, MedGen C1853566, MONDO:0011640, OMIM 606170.

Allele frequency attached by ClinVar (database versions not stated): gnomAD 0.00009 and 0.00010; gnomAD exomes 0.00009 and 0.00010; ExAC 0.00011; TOPMed 0.00015.
gnomAD v4.1: 145 of 1,606,620 alleles (0.009%); highest among the groups gnomAD compares: Middle Eastern, 0.18%; 1 homozygote.

Submissions (4):

Labcorp Genetics (formerly Invitae), Labcorp
Classification: Likely benign for Genitopatellar syndrome. Last evaluated: 2025-11-03. Review status: criteria provided, single submitter. Criteria: Invitae Variant Classification Sherloc (09022015). Collection method: clinical testing. Allele origin: germline.

CeGaT Center for Human Genetics Tuebingen
Classification: Likely benign. Last evaluated: 2025-03-01. Review status: criteria provided, single submitter. Criteria: CeGaT Center For Human Genetics Tuebingen Variant Classification Criteria Version 2. Collection method: clinical testing. Allele origin: germline. Affected: yes. Observed: 1 variant allele.
Comment: KAT6B: BS1

GeneDx
Classification: Likely benign. Last evaluated: 2021-02-09. Review status: criteria provided, single submitter. Criteria: GeneDx Variant Classification Process June 2021. Collection method: clinical testing. Allele origin: germline. Affected: yes.
Comment: This variant is associated with the following publications: (PMID: 22077973)

PreventionGenetics, part of Exact Sciences
Classification: Likely benign for KAT6B-related condition. Last evaluated: 2019-07-26. Review status: no assertion criteria provided. Collection method: clinical testing. Allele origin: germline. Not counted in ClinVar's aggregate classification.
Comment: This variant is classified as likely benign based on ACMG/AMP sequence variant interpretation guidelines (Richards et al. 2015 PMID: 25741868, with internal and published modifications).